The following is an entry in ClinVar:

NM_001698.3(AUH):c.926A>C (p.Glu309Ala)

Gene: AUH (AU RNA binding methylglutaconyl-CoA hydratase; minus strand). Cytogenetic location: 9q22.31.
Variant type: single nucleotide variant.
Coding change: c.926A>C on transcript NM_001698.3 (MANE Select); coding-DNA position 926, A replaced by C.
Protein change: p.Glu309Ala; replaces glutamic acid 309 with alanine.
Molecular consequence: missense variant. On other transcripts: intron variant (1).
Genome position (GRCh38, 1-based): chr9:91,216,075, T>G on the plus strand (A>C on the coding strand, the complement: AUH is on the minus strand). VCF-style: chr9-91216075-T-G. GRCh37 (hg19) VCF-style: chr9-93978357-T-G.
Other names: c.839A>C, p.Glu280Ala (NM_001306190.2); c.599A>C, p.Glu200Ala (NM_001351431.2, NM_001351432.2); c.567+1202A>C (NM_001351433.2); c.926A>C (NM_001698.2); short protein forms E280A, E200A, E309A.
Identifiers: ClinVar variation 1443635 (VCV001443635.9), dbSNP rs749713024, ClinGen allele CA5119684.
Genomic context (GRCh38, chr9:91,216,075, plus strand): 5'-TTTGTAAGGGTCATCCTCATTGAATTTGTGATTGCATTACATACCTGAGCATAACAAGCT[T>G]CTTCTATGGCTAACCCTGTTACTAAATCGACCTGAGAATAAAAACATAATCCATTTCAGC-3'
Protein context (NP_001689.1, residues 299-319): VDLVTGLAIE[Glu309Ala]ACYAQTIPTK

ClinVar aggregate classification (germline): Uncertain significance. Review status: criteria provided, multiple submitters, no conflicts (2 of 4 stars). 2 submissions from 2 submitters: Uncertain significance (2). Last evaluated 2024-06-24.

Conditions:
3-methylglutaconic aciduria type 1 (MGCA1). Identifiers: Orphanet 67046, MedGen C0342727, MONDO:0009610, OMIM 250950.

Allele frequency attached by ClinVar (database versions not stated): ExAC 0.00012; TOPMed 0.00002; gnomAD 0.00004; gnomAD exomes 0.00007 and 0.00011.
gnomAD v4.1: 102 of 1,612,932 alleles (0.0063%); highest among the groups gnomAD compares: South Asian, 0.11%; 3 homozygotes.

Submissions (2):

Labcorp Genetics (formerly Invitae), Labcorp
Classification: Uncertain significance for 3-methylglutaconic aciduria type 1. Last evaluated: 2024-06-24. Review status: criteria provided, single submitter. Criteria: Invitae Variant Classification Sherloc (09022015). Collection method: clinical testing. Allele origin: germline.
Comment: This sequence change replaces glutamic acid, which is acidic and polar, with alanine, which is neutral and non-polar, at codon 309 of the AUH protein (p.Glu309Ala). This variant is present in population databases (rs749713024, gnomAD 0.08%). This variant has not been reported in the literature in individuals affected with AUH-related conditions. ClinVar contains an entry for this variant (Variation ID: 1443635). Advanced modeling of protein sequence and biophysical properties (such as structural, functional, and spatial information, amino acid conservation, physicochemical variation, residue mobility, and thermodynamic stability) performed at Invitae indicates that this missense variant is not expected to disrupt AUH protein function with a negative predictive value of 80%. Algorithms developed to predict the effect of sequence changes on RNA splicing suggest that this variant may disrupt the consensus splice site. In summary, the available evidence is currently insufficient to determine the role of this variant in disease. Therefore, it has been classified as a Variant of Uncertain Significance.

GeneDx
Classification: Uncertain significance. Last evaluated: 2023-08-04. Review status: criteria provided, single submitter. Criteria: GeneDx Variant Classification Process June 2021. Collection method: clinical testing. Allele origin: germline. Affected: yes.
Comment: Has not been previously published as pathogenic or benign to our knowledge; In silico analysis supports that this missense variant has a deleterious effect on protein structure/function; In silico analysis is inconclusive as to whether the variant alters gene splicing. In the absence of RNA/functional studies, the actual effect of this sequence change is unknown.